The following is an entry in ClinVar:

ClinVar aggregate classification (germline): Benign. Review status: criteria provided, multiple submitters, no conflicts (2 of 4 stars). 3 submissions from 3 submitters: Benign (2). 1 of the submissions does not count toward it. Last evaluated 2026-01-29.

Conditions:
FZD5-related disorder. Also called: FZD5-related condition.

Allele frequency attached by ClinVar (database versions not stated): 1000 Genomes Project 0.02476; 1000 Genomes Project 30x 0.02436; gnomAD 0.04691 and 0.04663; ESP Exome Variant Server 0.05644.
gnomAD v4.1: 102,980 of 1,613,240 alleles (6.4%); highest among the groups gnomAD compares: Non-Finnish European, 7.5%; 3,805 homozygotes.

Submissions (3):

Labcorp Genetics (formerly Invitae), Labcorp
Classification: Benign. Last evaluated: 2026-01-29. Review status: criteria provided, single submitter. Criteria: Invitae Variant Classification Sherloc (09022015). Collection method: clinical testing. Allele origin: germline.

Breakthrough Genomics
Classification: Benign. Review status: criteria provided, single submitter. Criteria: ACMG Guidelines, 2015. Collection method: not provided. Allele origin: germline. Inheritance: Unknown mechanism. Affected: yes.

PreventionGenetics, part of Exact Sciences
Classification: Benign for FZD5-related condition. Last evaluated: 2019-10-25. Review status: no assertion criteria provided. Collection method: clinical testing. Allele origin: germline. Not counted in ClinVar's aggregate classification.
Comment: This variant is classified as benign based on ACMG/AMP sequence variant interpretation guidelines (Richards et al. 2015 PMID: 25741868, with internal and published modifications).

NM_003468.4(FZD5):c.647C>T (p.Pro216Leu)

Gene: FZD5 (frizzled class receptor 5; minus strand). Cytogenetic location: 2q33.3.
Variant type: single nucleotide variant.
Coding change: c.647C>T on transcript NM_003468.4 (MANE Select); coding-DNA position 647, C replaced by T.
Protein change: p.Pro216Leu; replaces proline 216 with leucine.
Molecular consequence: missense variant.
Genome position (GRCh38, 1-based): chr2:207,768,093, G>A on the plus strand (C>T on the coding strand, the complement: FZD5 is on the minus strand). VCF-style: chr2-207768093-G-A. GRCh37 (hg19) VCF-style: chr2-208632817-G-A.
Other names: c.647C>T (NM_003468.3); short protein forms P216L.
Identifiers: ClinVar variation 1599704 (VCV001599704.11), dbSNP rs35994626, ClinGen allele CA2076986.